The following is an entry in ClinVar:

NM_000419.5(ITGA2B):c.1672C>T (p.Gln558Ter)

Gene: ITGA2B (integrin subunit alpha 2b; minus strand). Cytogenetic location: 17q21.31.
Variant type: single nucleotide variant.
Coding change: c.1672C>T on transcript NM_000419.5 (MANE Select); coding-DNA position 1672, C replaced by T.
Protein change: p.Gln558Ter; replaces glutamine 558 with a stop codon.
Molecular consequence: nonsense.
Genome position (GRCh38, 1-based): chr17:44,380,082, G>A on the plus strand (C>T on the coding strand, the complement: ITGA2B is on the minus strand). VCF-style: chr17-44380082-G-A. GRCh37 (hg19) VCF-style: chr17-42457450-G-A.
Other names: short protein forms Q558*.
Identifiers: ClinVar variation 996196 (VCV000996196.2), dbSNP rs74602141, ClinGen allele CA290949843.
Genomic context (GRCh38, chr17:44,380,082, plus strand): 5'-TGTGGCAGATGGGGCTGTGCTTTCCGCCCAGATCCAGGTTCAGGGTGGTGCCTGCCTGTT[G>A]AGAGCCCAGCAGCAGCACCCGCCGGCCCTGGCGGGGCTTCTGCCGGTCCAGCTGCAGCTC-3'

ClinVar aggregate classification (germline): Pathogenic (3 of 4 stars; one submission).

Conditions:
Glanzmann thrombasthenia. Also called: Glanzmann's thrombasthenia; PLATELET GLYCOPROTEIN IIb-IIIa DEFICIENCY; BLEEDING DISORDER, PLATELET-TYPE, 2; THROMBASTHENIA OF GLANZMANN AND NAEGELI; Thrombasthenia. Identifiers: Orphanet 849, MedGen C0040015, MONDO:0100326.

Submission:

ClinGen Platelet Disorders Variant Curation Expert Panel, ClinGen
Classification: Pathogenic for Glanzmann thrombasthenia. Last evaluated: 2020-08-27. Review status: reviewed by expert panel. Criteria: ClinGen Platelet ACMG Specifications v2. Collection method: curation. Allele origin: germline. Inheritance: Autosomal recessive inheritance.
Comment: The ITGA2B nonsense variant NM_000419.4:c.1672C>T (p.Gln558Ter) introduces a premature termination codon and the resulting mRNA product is predicted to undergo nonsense mediated decay, leading to loss of normal protein function. This variant has not been reported in population databases. In summary, this variant meets criteria to be classified as pathogenic for GT. GT-specific criteria applied: PVS1, PM2_Supporting, and PM3_supporting.

Literature cited by the submitters: PubMed 20020534.